The following is an entry in ClinVar:

ClinVar aggregate classification (germline): Uncertain significance. Review status: criteria provided, single submitter (1 of 4 stars). 2 submissions from 2 submitters: Uncertain significance (1). 1 of the submissions does not count toward it. Last evaluated 2024-06-20.

Conditions:
Torsion dystonia 4. Also called: DYT-TUBB4A (Autosomal Dominant Torsion Dystonia); DYSTONIA MUSCULORUM DEFORMANS 4. Identifiers: Orphanet 98805, MedGen C1851943, MONDO:0007493, OMIM 128101.

Allele frequency attached by ClinVar (database versions not stated): gnomAD exomes below 0.00001; ExAC 0.00001.
gnomAD v4.1: 3 of 1,614,014 alleles (0.00019%); highest among the groups gnomAD compares: South Asian, 0.0022%; no homozygotes.

Submissions (2):

GeneDx
Classification: Uncertain significance. Last evaluated: 2024-06-20. Review status: criteria provided, single submitter. Criteria: GeneDx Variant Classification Process June 2021. Collection method: clinical testing. Allele origin: germline. Affected: yes.
Comment: Reported in a patient with spasmodic dystonia, oromandibular dystonia, and dyskinesia in published literature (PMID: 23595291); Not observed at significant frequency in large population cohorts (gnomAD); In silico analysis supports that this missense variant has a deleterious effect on protein structure/function; This variant is associated with the following publications: (PMID: 30079973, 23595291, 35260199, 29127012)

OMIM
Classification: Pathogenic for DYSTONIA 4, TORSION, AUTOSOMAL DOMINANT. Last evaluated: 2013-04-01. Review status: no assertion criteria provided. Collection method: literature only. Allele origin: germline. Not counted in ClinVar's aggregate classification.

Literature cited by the submitters: PubMed 23595291 (cited by OMIM).

NM_006087.4(TUBB4A):c.811G>A (p.Ala271Thr)

Gene: TUBB4A (tubulin beta 4A class IVa; minus strand). Cytogenetic location: 19p13.3.
Variant type: single nucleotide variant.
Coding change: c.811G>A on transcript NM_006087.4 (MANE Select); coding-DNA position 811, G replaced by A.
Protein change: p.Ala271Thr; replaces alanine 271 with threonine.
Molecular consequence: missense variant.
Genome position (GRCh38, 1-based): chr19:6,495,688, C>T on the plus strand (G>A on the coding strand, the complement: TUBB4A is on the minus strand). VCF-style: chr19-6495688-C-T. GRCh37 (hg19) VCF-style: chr19-6495699-C-T.
Other names: c.964G>A, p.Ala322Thr (NM_001289123.2); c.946G>A, p.Ala316Thr (NM_001289127.2); c.811G>A, p.Ala271Thr (NM_001289129.2); c.595G>A, p.Ala199Thr (NM_001289130.2, NM_001289131.2); c.811G>A (NM_006087.2); short protein forms A271T, A322T, A316T, A199T.
Identifiers: ClinVar variation 92111 (VCV000092111.3), dbSNP rs587777074, ClinGen allele CA145500.
Genomic context (GRCh38, chr19:6,495,688, plus strand): 5'-GGGTGAGCTCGGGCACCGTCAGGGCCCGGTACTGCTGGCTGCCCCGGCTGGTCAGGGGTG[C>T]GAAGCCGGGCATGAAGAAGTGCAGGCGAGGAAAGGGAACCATGTTGACGGCCAGCTTGCG-3'
Protein context (NP_006078.2, residues 261-281): PRLHFFMPGF[Ala271Thr]PLTSRGSQQY